The following is an entry in ClinVar:

ClinVar aggregate classification (germline): Benign/Likely benign. Review status: criteria provided, multiple submitters, no conflicts (2 of 4 stars). 3 submissions from 3 submitters: Benign (1); Likely benign (2). Last evaluated 2026-09-05.

Conditions:
Hereditary diffuse gastric adenocarcinoma (HDGC). Also called: DIFFUSE GASTRIC AND LOBULAR BREAST CANCER SYNDROME. Identifiers: Orphanet 26106, MedGen C1708349, MONDO:0007648, OMIM 137215.
Hereditary cancer-predisposing syndrome. Also called: Hereditary Cancer Syndrome; Hereditary neoplastic syndrome; Neoplastic Syndromes, Hereditary; Tumor predisposition. Identifiers: Orphanet 140162, MedGen C0027672, MeSH D009386, MONDO:0015356.

Submissions (3):

Ambry Genetics
Classification: Likely benign for Hereditary cancer-predisposing syndrome. Last evaluated: 2026-09-05. Review status: criteria provided, single submitter. Criteria: Ambry Variant Classification Scheme 2023. Collection method: clinical testing. Allele origin: germline.

Myriad Genetics, Inc.
Classification: Benign for Hereditary diffuse gastric adenocarcinoma. Last evaluated: 2024-10-11. Review status: criteria provided, single submitter. Criteria: Myriad Autosomal Dominant, Autosomal Recessive and X-Linked Classification Criteria (2023). Collection method: clinical testing. Allele origin: unknown.
Comment: This variant is considered benign. This variant is a silent/synonymous amino acid change and it is not expected to impact splicing.

Labcorp Genetics (formerly Invitae), Labcorp
Classification: Likely benign. Last evaluated: 2023-02-21. Review status: criteria provided, single submitter. Criteria: Invitae Variant Classification Sherloc (09022015). Collection method: clinical testing. Allele origin: germline.

NM_001903.5(CTNNA1):c.1446G>A (p.Glu482=)

Gene: CTNNA1 (catenin alpha 1; plus strand). Cytogenetic location: 5q31.2.
Variant type: single nucleotide variant.
Coding change: c.1446G>A on transcript NM_001903.5 (MANE Select); coding-DNA position 1446, G replaced by A.
Protein change: p.Glu482=; no amino-acid change (glutamic acid 482 retained).
Molecular consequence: synonymous variant. On other transcripts: 5 prime UTR variant (5).
Genome position (GRCh38, 1-based): chr5:138,917,798, G>A. VCF-style: chr5-138917798-G-A. GRCh37 (hg19) VCF-style: chr5-138253487-G-A.
Other names: c.1446G>A (NM_001903.2); c.1446G>A, p.Glu482= (NM_001290307.3, NM_001323982.2, NM_001323983.1 and 2 more transcripts); c.1137G>A, p.Glu379= (NM_001290309.3); c.1077G>A, p.Glu359= (NM_001290310.3); c.336G>A, p.Glu112= (NM_001290312.1, NM_001323987.1, NM_001323988.1 and 17 more transcripts); c.1353G>A, p.Glu451= (NM_001323986.2); c.-4G>A (NM_001324006.1, NM_001324007.1, NM_001324008.1 and 2 more transcripts); c.243G>A, p.Glu81= (NM_001324011.1); and 1 more.
Identifiers: ClinVar variation 2839247 (VCV002839247.5), dbSNP rs2533589060, ClinGen allele CA446596101.